The following is an entry in ClinVar:

ClinVar aggregate classification (germline): Conflicting classifications of pathogenicity. Review status: criteria provided, conflicting classifications (1 of 4 stars). 13 submissions from 12 submitters: Uncertain significance (2); Likely benign (8). 3 of the submissions do not count toward it. Last evaluated 2026-04-01.

Conditions:
TNNT2-related disorder. Also called: TNNT2-related condition.
Cardiovascular phenotype. Identifiers: MedGen CN230736.
Cardiomyopathy (CMYO). Also called: Cardiomyopathies. Identifiers: Orphanet 167848, MedGen C0878544, MONDO:0004994, HP:0001638. Inheritance: Various modes of inheritance.
Dilated cardiomyopathy 1D. Identifiers: Orphanet 154, Orphanet 54260, MedGen C1832243, MONDO:0011095, OMIM 601494.
Cardiomyopathy, familial restrictive, 3. Identifiers: Orphanet 75249, MedGen C2676271, MONDO:0012900, OMIM 612422.
Hypertrophic cardiomyopathy 2. Also called: TNNT2-Related Familial Hypertrophic Cardiomyopathy. Identifiers: MedGen C1861864, MONDO:0007266, OMIM 115195.

Allele frequency attached by ClinVar (database versions not stated): TOPMed 0.00005; ESP Exome Variant Server 0.00015; 1000 Genomes Project 30x 0.00016; 1000 Genomes Project 0.00020.
gnomAD v4.1: 304 of 1,614,022 alleles (0.019%); highest among the groups gnomAD compares: Admixed American, 0.035%; 2 homozygotes.

Submissions (13):

CeGaT Center for Human Genetics Tuebingen
Classification: Likely benign. Last evaluated: 2026-04-01. Review status: criteria provided, single submitter. Criteria: CeGaT Center For Human Genetics Tuebingen Variant Classification Criteria Version 2. Collection method: clinical testing. Allele origin: germline. Affected: yes. Observed: 1 variant allele.
Comment: TNNT2: BP4, BP7

Labcorp Genetics (formerly Invitae), Labcorp
Classification: Likely benign for Cardiomyopathy, familial restrictive, 3; Hypertrophic cardiomyopathy 2; Dilated cardiomyopathy 1D. Last evaluated: 2026-01-26. Review status: criteria provided, single submitter. Criteria: Invitae Variant Classification Sherloc (09022015). Collection method: clinical testing. Allele origin: germline.

Molecular Diagnostic Laboratory for Inherited Cardiovascular Disease, Montreal Heart Institute
Classification: Likely benign. Last evaluated: 2025-04-09. Review status: criteria provided, single submitter. Criteria: ACMG Guidelines, 2015. Collection method: clinical testing. Allele origin: germline. Affected: no.

Blueprint Genetics
Classification: Likely benign. Last evaluated: 2024-09-02. Review status: criteria provided, single submitter. Criteria: ACMG Guidelines, 2015. Collection method: clinical testing. Allele origin: germline.

GeneDx
Classification: Likely benign. Last evaluated: 2020-11-10. Review status: criteria provided, single submitter. Criteria: GeneDx Variant Classification Process June 2021. Collection method: clinical testing. Allele origin: germline. Affected: yes.

Ambry Genetics
Classification: Likely benign for Cardiovascular phenotype. Last evaluated: 2020-10-08. Review status: criteria provided, single submitter. Criteria: Ambry Variant Classification Scheme 2023. Collection method: clinical testing. Allele origin: germline.

Color Diagnostics, LLC DBA Color Health
Classification: Likely benign for Cardiomyopathy. Last evaluated: 2018-11-08. Review status: criteria provided, single submitter. Criteria: ACMG Guidelines, 2015. Collection method: clinical testing. Allele origin: germline.

Illumina Laboratory Services, Illumina
Classification: Uncertain significance for Cardiomyopathy, familial restrictive, 3. Last evaluated: 2018-01-13. Review status: criteria provided, single submitter. Criteria: ICSL Variant Classification Criteria 13 December 2019. Collection method: clinical testing. Allele origin: germline.

Illumina Laboratory Services, Illumina
Classification: Uncertain significance for Hypertrophic cardiomyopathy 2. Last evaluated: 2018-01-13. Review status: criteria provided, single submitter. Criteria: ICSL Variant Classification Criteria 13 December 2019. Collection method: clinical testing. Allele origin: germline.

Laboratory for Molecular Medicine, Mass General Brigham Personalized Medicine
Classification: Likely benign. Last evaluated: 2008-03-01. Review status: criteria provided, single submitter. Criteria: LMM Criteria. Collection method: clinical testing. Allele origin: germline. Observed: 4 variant alleles.

PreventionGenetics, part of Exact Sciences
Classification: Likely benign for TNNT2-related condition. Last evaluated: 2024-02-02. Review status: no assertion criteria provided. Collection method: clinical testing. Allele origin: germline. Not counted in ClinVar's aggregate classification.
Comment: This variant is classified as likely benign based on ACMG/AMP sequence variant interpretation guidelines (Richards et al. 2015 PMID: 25741868, with internal and published modifications).

Clinical Genetics, Academic Medical Center
Classification: Likely benign. Review status: no assertion criteria provided. Collection method: clinical testing. Allele origin: germline. Affected: yes. Study: VKGL Data-share Consensus. Not counted in ClinVar's aggregate classification.

Joint Genome Diagnostic Labs from Nijmegen and Maastricht, Radboudumc and MUMC+
Classification: Likely benign. Review status: no assertion criteria provided. Collection method: clinical testing. Allele origin: germline. Affected: yes. Study: VKGL Data-share Consensus. Not counted in ClinVar's aggregate classification.

NM_001276345.2(TNNT2):c.270C>G (p.Pro90=)

Gene: TNNT2 (troponin T2, cardiac type; minus strand). Cytogenetic location: 1q32.1.
Variant type: single nucleotide variant.
Coding change: c.270C>G on transcript NM_001276345.2 (MANE Select); coding-DNA position 270, C replaced by G.
Protein change: p.Pro90=; no amino-acid change (proline 90 retained).
Molecular consequence: synonymous variant.
Genome position (GRCh38, 1-based): chr1:201,365,634, G>C on the plus strand (C>G on the coding strand, the complement: TNNT2 is on the minus strand). VCF-style: chr1-201365634-G-C. GRCh37 (hg19) VCF-style: chr1-201334762-G-C.
Other names: c.270C>G, p.Pro90= (NM_000364.4); c.240C>G, p.Pro80= (NM_001001430.3, NM_001001431.3, NM_001276347.2); c.225C>G, p.Pro75= (NM_001001432.3); c.267C>G, p.Pro89= (NM_001276346.2).
Identifiers: ClinVar variation 43621 (VCV000043621.34), dbSNP rs140245123, ClinGen allele CA004183.